The following is an entry in ClinVar:

ClinVar aggregate classification (germline): Uncertain significance. Review status: criteria provided, multiple submitters, no conflicts (2 of 4 stars). 3 submissions from 3 submitters: Uncertain significance (3). Last evaluated 2025-08-29.

Conditions:
Saldino-Mainzer syndrome (SRTD9). Also called: CONORENAL SYNDROME; Renal dysplasia, retinal pigmentary dystrophy, cerebellar ataxia and skeletal dysplasia; SHORT-RIB THORACIC DYSPLASIA 9 WITHOUT POLYDACTYLY; short-rib thoracic dysplasia 9 with or without polydactyly. Identifiers: Orphanet 140969, MedGen C1849437, MONDO:0009964, OMIM 266920.
Retinitis pigmentosa 80 (RP80). Identifiers: MedGen C4540439, MONDO:0054708, OMIM 617781.
Inborn genetic diseases. Identifiers: MedGen C0950123, MeSH D030342.

Allele frequency attached by ClinVar (database versions not stated): gnomAD 0.00001; TOPMed 0.00002.
gnomAD v4.1: 2 of 1,613,796 alleles (0.00012%); highest among the groups gnomAD compares: Admixed American, 0.0017%; no homozygotes.

Submissions (3):

Ambry Genetics
Classification: Uncertain significance for Inborn genetic diseases. Last evaluated: 2025-08-29. Review status: criteria provided, single submitter. Criteria: Ambry Variant Classification Scheme 2023. Collection method: clinical testing. Allele origin: germline.

Fulgent Genetics
Classification: Uncertain significance for Saldino-Mainzer syndrome; Retinitis pigmentosa 80. Last evaluated: 2022-05-07. Review status: criteria provided, single submitter. Criteria: ACMG Guidelines, 2015. Collection method: clinical testing. Allele origin: unknown.

Labcorp Genetics (formerly Invitae), Labcorp
Classification: Uncertain significance for Saldino-Mainzer syndrome. Last evaluated: 2020-11-14. Review status: criteria provided, single submitter. Criteria: Invitae Variant Classification Sherloc (09022015). Collection method: clinical testing. Allele origin: germline.
Comment: In summary, the available evidence is currently insufficient to determine the role of this variant in disease. Therefore, it has been classified as a Variant of Uncertain Significance. This sequence change replaces glutamic acid with aspartic acid at codon 623 of the IFT140 protein (p.Glu623Asp). The glutamic acid residue is weakly conserved and there is a small physicochemical difference between glutamic acid and aspartic acid. This variant is not present in population databases (ExAC no frequency). This variant has not been reported in the literature in individuals with IFT140-related conditions. Algorithms developed to predict the effect of missense changes on protein structure and function output the following: SIFT: "Tolerated"; PolyPhen-2: "Benign"; Align-GVGD: "Class C0". The aspartic acid amino acid residue is found in multiple mammalian species, suggesting that this missense change does not adversely affect protein function. These predictions have not been confirmed by published functional studies and their clinical significance is uncertain.

NM_014714.4(IFT140):c.1869G>C (p.Glu623Asp)

Gene: IFT140 (intraflagellar transport 140; minus strand). Cytogenetic location: 16p13.3.
Variant type: single nucleotide variant.
Coding change: c.1869G>C on transcript NM_014714.4 (MANE Select); coding-DNA position 1869, G replaced by C.
Protein change: p.Glu623Asp; replaces glutamic acid 623 with aspartic acid.
Molecular consequence: missense variant.
Genome position (GRCh38, 1-based): chr16:1,566,193, C>G on the plus strand (G>C on the coding strand, the complement: IFT140 is on the minus strand). VCF-style: chr16-1566193-C-G. GRCh37 (hg19) VCF-style: chr16-1616194-C-G.
Other names: c.1869G>C (NM_014714.3); short protein forms E623D.
Identifiers: ClinVar variation 1415642 (VCV001415642.10), dbSNP rs2033705618, ClinGen allele CA394205894.